The following is an entry in ClinVar:

NM_001288705.3(CSF1R):c.2764-4T>C

Gene: CSF1R (colony stimulating factor 1 receptor; minus strand). Cytogenetic location: 5q32.
Variant type: single nucleotide variant.
Coding change: c.2764-4T>C on transcript NM_001288705.3 (MANE Select); 4 bases into the intron before coding-DNA position 2764, T replaced by C.
Molecular consequence: intron variant.
Genome position (GRCh38, 1-based): chr5:150,054,228, A>G on the plus strand (T>C on the coding strand, the complement: CSF1R is on the minus strand). VCF-style: chr5-150054228-A-G. GRCh37 (hg19) VCF-style: chr5-149433791-A-G.
Other names: p.?; c.2320-4T>C (NM_001375321.1); c.2764-4T>C (NM_005211.4, NM_001375320.1, NM_001349736.2).
Identifiers: ClinVar variation 4684866 (VCV004684866.1).

ClinVar aggregate classification (germline): Likely benign (1 of 4 stars; one submission).

gnomAD v4.1: 12 of 1,612,072 alleles (0.00074%); highest among the groups gnomAD compares: Admixed American, 0.0017%; no homozygotes.

Submission:

Mayo Clinic Laboratories, Mayo Clinic
Classification: Likely benign. Last evaluated: 2025-10-09. Review status: criteria provided, single submitter. Criteria: ACMG Guidelines, 2015. Collection method: clinical testing. Allele origin: germline. Observed: 1 variant allele.
Comment: BP4, BP7